The following is an entry in ClinVar:

ClinVar aggregate classification (germline): Uncertain significance. Review status: criteria provided, multiple submitters, no conflicts (2 of 4 stars). 2 submissions from 2 submitters: Uncertain significance (2). Last evaluated 2025-07-02.

Conditions:
Hereditary cancer-predisposing syndrome. Also called: Tumor predisposition; Neoplastic Syndromes, Hereditary; Hereditary Cancer Syndrome; Hereditary neoplastic syndrome. Identifiers: Orphanet 140162, MedGen C0027672, MeSH D009386, MONDO:0015356.
Neuroblastoma, susceptibility to, 3. Also called: ALK-Related Neuroblastic Tumor Susceptibility. Identifiers: Orphanet 635, MedGen C2751681, MONDO:0013083, OMIM 613014.

Allele frequency attached by ClinVar (database versions not stated): gnomAD exomes below 0.00001 and 0.00001; ExAC 0.00001; TOPMed 0.00001.
gnomAD v4.1: 6 of 1,613,974 alleles (0.00037%); highest among the groups gnomAD compares: Admixed American, 0.0033%; no homozygotes.

Submissions (2):

Ambry Genetics
Classification: Uncertain significance for Hereditary cancer-predisposing syndrome. Last evaluated: 2025-07-02. Review status: criteria provided, single submitter. Criteria: Ambry Variant Classification Scheme 2023. Collection method: clinical testing. Allele origin: germline.
Comment: The p.Q218R variant (also known as c.653A>G), located in coding exon 1 of the ALK gene, results from an A to G substitution at nucleotide position 653. The glutamine at codon 218 is replaced by arginine, an amino acid with highly similar properties. This amino acid position is well conserved in available vertebrate species. In addition, the in silico prediction for this alteration is inconclusive. Based on the available evidence, the clinical significance of this variant remains unclear.

Labcorp Genetics (formerly Invitae), Labcorp
Classification: Uncertain significance for Neuroblastoma, susceptibility to, 3. Last evaluated: 2025-06-03. Review status: criteria provided, single submitter. Criteria: Invitae Variant Classification Sherloc (09022015). Collection method: clinical testing. Allele origin: germline.
Comment: This sequence change replaces glutamine, which is neutral and polar, with arginine, which is basic and polar, at codon 218 of the ALK protein (p.Gln218Arg). This variant is present in population databases (rs751419585, gnomAD 0.006%). This variant has not been reported in the literature in individuals affected with ALK-related conditions. ClinVar contains an entry for this variant (Variation ID: 1064259). An algorithm developed to predict the effect of missense changes on protein structure and function (PolyPhen-2) suggests that this variant is likely to be tolerated. In summary, the available evidence is currently insufficient to determine the role of this variant in disease. Therefore, it has been classified as a Variant of Uncertain Significance.

NM_004304.5(ALK):c.653A>G (p.Gln218Arg)

Gene: ALK (ALK receptor tyrosine kinase; minus strand). Cytogenetic location: 2p23.1.
Variant type: single nucleotide variant.
Coding change: c.653A>G on transcript NM_004304.5 (MANE Select); coding-DNA position 653, A replaced by G.
Protein change: p.Gln218Arg; replaces glutamine 218 with arginine.
Molecular consequence: missense variant.
Genome position (GRCh38, 1-based): chr2:29,920,007, T>C on the plus strand (A>G on the coding strand, the complement: ALK is on the minus strand). VCF-style: chr2-29920007-T-C. GRCh37 (hg19) VCF-style: chr2-30142873-T-C.
Other names: short protein forms Q218R.
Identifiers: ClinVar variation 1064259 (VCV001064259.12), dbSNP rs751419585, ClinGen allele CA1594927.